The following is an entry in ClinVar:

NM_001110219.3(GJB6):c.571T>A (p.Phe191Ile)

Gene: GJB6 (gap junction protein beta 6; minus strand). Cytogenetic location: 13q12.11.
Variant type: single nucleotide variant.
Coding change: c.571T>A on transcript NM_001110219.3 (MANE Select); coding-DNA position 571, T replaced by A.
Protein change: p.Phe191Ile; replaces phenylalanine 191 with isoleucine.
Molecular consequence: missense variant.
Genome position (GRCh38, 1-based): chr13:20,222,910, A>T on the plus strand (T>A on the coding strand, the complement: GJB6 is on the minus strand). VCF-style: chr13-20222910-A-T. GRCh37 (hg19) VCF-style: chr13-20797049-A-T.
Other names: c.571T>A, p.Phe191Ile (NM_001110220.3, NM_001110221.3, NM_001370090.1 and 3 more transcripts); short protein forms F191I.
Identifiers: ClinVar variation 3749863 (VCV003749863.2).

ClinVar aggregate classification (germline): Uncertain significance (1 of 4 stars; one submission).

Conditions:
Autosomal dominant nonsyndromic hearing loss 3B. Identifiers: Orphanet 90635, MedGen C2675237, MONDO:0012975, OMIM 612643.
Autosomal recessive nonsyndromic hearing loss 1B. Also called: DEAFNESS, AUTOSOMAL RECESSIVE 1B. Identifiers: Orphanet 90636, MedGen C2675235, MONDO:0012977, OMIM 612645.
Autosomal recessive nonsyndromic hearing loss 1A (DFNB1A). Also called: GJB2-Related Autosomal Recessive Nonsyndromic Hearing Loss; Deafness, autosomal recessive 1A; GJB6-Related DFNB 1 Nonsyndromic Hearing Loss and Deafness; Nonsyndromic Hearing Loss and Deafness, DFNB1; Connexin 26 deafness; Deafness nonsyndromic, Connexin 26 linked. Identifiers: Orphanet 90636, MedGen C2673759, MONDO:0009076, OMIM 220290.
Hidrotic ectodermal dysplasia syndrome (GJB6). Also called: Ectodermal dysplasia 2, hidrotic; Autosomal dominant hidrotic ectodermal dysplasia; Clouston syndrome; Clouston's hidrotic ectodermal dysplasia; CLOUSTON HIDROTIC ECTODERMAL DYSPLASIA; ECTODERMAL DYSPLASIA 2, CLOUSTON TYPE. Identifiers: Orphanet 189, MedGen C0162361, MONDO:0007510, OMIM 129500.

Submission:

Labcorp Genetics (formerly Invitae), Labcorp
Classification: Uncertain significance for Autosomal dominant nonsyndromic hearing loss 3B; Hidrotic ectodermal dysplasia syndrome; Autosomal recessive nonsyndromic hearing loss 1B; Autosomal recessive nonsyndromic hearing loss 1A. Last evaluated: 2024-07-31. Review status: criteria provided, single submitter. Criteria: Invitae Variant Classification Sherloc (09022015). Collection method: clinical testing. Allele origin: germline.
Comment: This sequence change replaces phenylalanine, which is neutral and non-polar, with isoleucine, which is neutral and non-polar, at codon 191 of the GJB6 protein (p.Phe191Ile). This variant is not present in population databases (gnomAD no frequency). This variant has not been reported in the literature in individuals affected with GJB6-related conditions. Advanced modeling of protein sequence and biophysical properties (such as structural, functional, and spatial information, amino acid conservation, physicochemical variation, residue mobility, and thermodynamic stability) performed at Invitae indicates that this missense variant is expected to disrupt GJB6 protein function with a positive predictive value of 80%. In summary, the available evidence is currently insufficient to determine the role of this variant in disease. Therefore, it has been classified as a Variant of Uncertain Significance.